The following is an entry in ClinVar:

NM_018916.4(PCDHGA3):c.1926C>A (p.Leu642=)

Genes: PCDHG@ (protocadherin gamma cluster; plus strand), PCDHGA1 (protocadherin gamma subfamily A, 1; plus strand), PCDHGA2 (protocadherin gamma subfamily A, 2; plus strand), PCDHGA3 (protocadherin gamma subfamily A, 3; plus strand). Cytogenetic location: 5q31.3.
Variant type: single nucleotide variant.
Coding change: c.1926C>A on transcript NM_018916.4 (MANE Select); coding-DNA position 1926, C replaced by A.
Protein change: p.Leu642=; no amino-acid change (leucine 642 retained).
Molecular consequence: synonymous variant. On other transcripts: intron variant (2).
Genome position (GRCh38, 1-based): chr5:141,345,959, C>A. VCF-style: chr5-141345959-C-A. GRCh37 (hg19) VCF-style: chr5-140725526-C-A.
Other names: c.1926C>A, p.Leu642= (NM_032011.2); c.2421+12854C>A (NM_018912.3); c.2424+4564C>A (NM_018915.4).
Identifiers: ClinVar variation 3388452 (VCV003388452.14).
Genomic context (GRCh38, chr5:141,345,959, plus strand): 5'-CACGGGCGAGGTGCGCACGGCGCGAGCCCTGCTGGACAGAGACGCGCTCAAGCAGAGCCT[C>A]GTGGTGGCCGTCCAGGACCACGGCCAGCCCCCTCTCTCCGCCACTGTCACGCTCACCGTG-3'
Protein context (NP_061739.2, residues 632-652): LLDRDALKQS[Leu642=]VVAVQDHGQP

ClinVar aggregate classification (germline): Likely benign (1 of 4 stars; one submission).

gnomAD v4.1: 692 of 1,613,284 alleles (0.043%); highest among the groups gnomAD compares: South Asian, 0.48%; 3 homozygotes.

Submission:

CeGaT Center for Human Genetics Tuebingen
Classification: Likely benign. Last evaluated: 2024-09-01. Review status: criteria provided, single submitter. Criteria: CeGaT Center For Human Genetics Tuebingen Variant Classification Criteria Version 2. Collection method: clinical testing. Allele origin: germline. Affected: yes. Observed: 1 variant allele.
Comment: PCDHGA3: BP4, BP7